The following is an entry in ClinVar:

ClinVar aggregate classification (germline): Benign/Likely benign. Review status: criteria provided, multiple submitters, no conflicts (2 of 4 stars). 5 submissions from 5 submitters: Benign (2); Likely benign (3). Last evaluated 2026-01-28.

Conditions:
Pyruvate dehydrogenase E1-beta deficiency (PDHBD). Identifiers: Orphanet 255138, Orphanet 765, MedGen C3279841, MONDO:0013580, OMIM 614111.

Allele frequency attached by ClinVar (database versions not stated): ESP Exome Variant Server 0.00054; ExAC 0.00060; gnomAD exomes 0.00072 and 0.00087; gnomAD 0.00077 and 0.00082; 1000 Genomes Project 0.00100; TOPMed 0.00102; 1000 Genomes Project 30x 0.00125.
gnomAD v4.1: 1,373 of 1,606,634 alleles (0.085%); highest among the groups gnomAD compares: Admixed American, 0.26%; 1 homozygote.

Submissions (5):

Labcorp Genetics (formerly Invitae), Labcorp
Classification: Benign for Pyruvate dehydrogenase E1-beta deficiency. Last evaluated: 2026-01-28. Review status: criteria provided, single submitter. Criteria: Invitae Variant Classification Sherloc (09022015). Collection method: clinical testing. Allele origin: germline.

CeGaT Center for Human Genetics Tuebingen
Classification: Likely benign. Last evaluated: 2025-01-01. Review status: criteria provided, single submitter. Criteria: CeGaT Center For Human Genetics Tuebingen Variant Classification Criteria Version 2. Collection method: clinical testing. Allele origin: germline. Affected: yes. Observed: 1 variant allele.
Comment: PDHB: BP4, BP7

Blueprint Genetics
Classification: Likely benign. Last evaluated: 2024-10-30. Review status: criteria provided, single submitter. Criteria: ACMG Guidelines, 2015. Collection method: clinical testing. Allele origin: germline.

Illumina Laboratory Services, Illumina
Classification: Likely benign for Pyruvate dehydrogenase E1-beta deficiency. Last evaluated: 2017-09-19. Review status: criteria provided, single submitter. Criteria: ICSL Variant Classification Criteria 13 December 2019. Collection method: clinical testing. Allele origin: germline.
Comment: This variant was observed as part of a predisposition screen in an ostensibly healthy population. A literature search was performed for the gene, cDNA change, and amino acid change (where applicable). No publications were found based on this search. Allele frequency data from public databases allowed determination this variant is unlikely to cause disease. Therefore, this variant is classified as likely benign.

GeneDx
Classification: Benign. Last evaluated: 2014-06-06. Review status: criteria provided, single submitter. Criteria: GeneDx Variant Classification (06012015). Collection method: clinical testing. Allele origin: germline. Affected: yes.
Comment: This variant is considered likely benign or benign based on one or more of the following criteria: it is a conservative change, it occurs at a poorly conserved position in the protein, it is predicted to be benign by multiple in silico algorithms, and/or has population frequency not consistent with disease.

NM_000925.4(PDHB):c.288T>C (p.Ala96=)

Gene: PDHB (pyruvate dehydrogenase E1 subunit beta; minus strand). Cytogenetic location: 3p14.3.
Variant type: single nucleotide variant.
Coding change: c.288T>C on transcript NM_000925.4 (MANE Select); coding-DNA position 288, T replaced by C.
Protein change: p.Ala96=; no amino-acid change (alanine 96 retained).
Molecular consequence: synonymous variant. On other transcripts: non-coding transcript variant (1).
Genome position (GRCh38, 1-based): chr3:58,431,608, A>G on the plus strand (T>C on the coding strand, the complement: PDHB is on the minus strand). VCF-style: chr3-58431608-A-G. GRCh37 (hg19) VCF-style: chr3-58417335-A-G.
Other names: p.A96A:GCT>GCC; c.288T>C, p.Ala96= (NM_001173468.2); c.234T>C, p.Ala78= (NM_001315536.2).
Identifiers: ClinVar variation 138650 (VCV000138650.28), dbSNP rs138128142, ClinGen allele CA292727.
Genomic context (GRCh38, chr3:58,431,608, plus strand): 5'-AACAAGAAATGTCTTTGGATAAGTTTCATAAAGAGTATTACATACCATAGCTGCACCTAC[A>G]GCAATTCCAGCAAAGCCCATCTATAAAGTAAAATATAAACATAAGTGAAAATCCATAAAA-3'
Protein context (NP_000916.2, residues 86-106): PISEMGFAGI[Ala96=]VGAAMAGLRP